The following is an entry in ClinVar:

NM_001429.4(EP300):c.2242-4T>C

Gene: EP300 (E1A binding protein p300; plus strand). Cytogenetic location: 22q13.2.
Variant type: single nucleotide variant.
Coding change: c.2242-4T>C on transcript NM_001429.4 (MANE Select); 4 bases into the intron before coding-DNA position 2242, T replaced by C.
Molecular consequence: intron variant.
Genome position (GRCh38, 1-based): chr22:41,149,034, T>C. VCF-style: chr22-41149034-T-C. GRCh37 (hg19) VCF-style: chr22-41545038-T-C.
Other names: c.2164-4T>C (NM_001362843.2).
Identifiers: ClinVar variation 3031531 (VCV003031531.2), dbSNP rs757571385, ClinGen allele CA10252816.
Genomic context (GRCh38, chr22:41,149,034, plus strand): 5'-TTTAGTTATAGTAGAATAACTATAATGAAGCAGTTTGGTGATTTGTGTTTTTTTTTTTTT[T>C]CAGCCTATGGGCTATGGGCCTCGTATGCAACAGCCTTCCAACCAGGGCCAGTTCCTTCCT-3'

ClinVar aggregate classification (germline): Likely benign (0 of 4 stars; one submission).

Conditions:
EP300-related disorder. Also called: EP300-related disorders; EP300-related condition.

Allele frequency attached by ClinVar (database versions not stated): TOPMed 0.00001; ExAC 0.00002; gnomAD 0.00003; gnomAD exomes 0.00003.
gnomAD v4.1: 51 of 1,612,878 alleles (0.0032%); highest among the groups gnomAD compares: Middle Eastern, 0.016%; no homozygotes.

Submission:

PreventionGenetics, part of Exact Sciences
Classification: Likely benign for EP300-related condition. Last evaluated: 2023-10-27. Review status: no assertion criteria provided. Collection method: clinical testing. Allele origin: germline.
Comment: This variant is classified as likely benign based on ACMG/AMP sequence variant interpretation guidelines (Richards et al. 2015 PMID: 25741868, with internal and published modifications).